The following is an entry in ClinVar:

ClinVar aggregate classification (germline): Benign/Likely benign. Review status: criteria provided, multiple submitters, no conflicts (2 of 4 stars). 4 submissions from 4 submitters: Benign (1); Likely benign (2). 1 of the submissions does not count toward it. Last evaluated 2026-02-01.

Conditions:
FN1-related disorder. Also called: FN1-related condition.

Allele frequency attached by ClinVar (database versions not stated): gnomAD exomes 0.00029 and 0.00064; gnomAD 0.00041 and 0.00042; ExAC 0.00046; TOPMed 0.00047; ESP Exome Variant Server 0.00054.
gnomAD v4.1: 520 of 1,613,984 alleles (0.032%); highest among the groups gnomAD compares: Admixed American, 0.05%; 3 homozygotes.

Submissions (4):

Labcorp Genetics (formerly Invitae), Labcorp
Classification: Benign. Last evaluated: 2026-02-01. Review status: criteria provided, single submitter. Criteria: Invitae Variant Classification Sherloc (09022015). Collection method: clinical testing. Allele origin: germline.

Blueprint Genetics
Classification: Likely benign. Last evaluated: 2024-07-02. Review status: criteria provided, single submitter. Criteria: ACMG Guidelines, 2015. Collection method: clinical testing. Allele origin: germline.

CeGaT Center for Human Genetics Tuebingen
Classification: Likely benign. Last evaluated: 2023-11-01. Review status: criteria provided, single submitter. Criteria: CeGaT Center For Human Genetics Tuebingen Variant Classification Criteria Version 2. Collection method: clinical testing. Allele origin: germline. Affected: yes. Observed: 1 variant allele.
Comment: FN1: BP4, BS1

PreventionGenetics, part of Exact Sciences
Classification: Benign for FN1-related condition. Last evaluated: 2019-09-19. Review status: no assertion criteria provided. Collection method: clinical testing. Allele origin: germline. Not counted in ClinVar's aggregate classification.
Comment: This variant is classified as benign based on ACMG/AMP sequence variant interpretation guidelines (Richards et al. 2015 PMID: 25741868, with internal and published modifications).

NM_212482.4(FN1):c.7295G>C (p.Ser2432Thr)

Genes: ATIC (5-aminoimidazole-4-carboxamide ribonucleotide formyltransferase/IMP cyclohydrolase; plus strand), FN1 (fibronectin 1; minus strand). Cytogenetic location: 2q35.
Variant type: single nucleotide variant.
Coding change: c.7295G>C on transcript NM_212482.4 (MANE Select); coding-DNA position 7295, G replaced by C.
Protein change: p.Ser2432Thr; replaces serine 2432 with threonine.
Molecular consequence: missense variant.
Genome position (GRCh38, 1-based): chr2:215,362,036, C>G on the plus strand (G>C on the coding strand, the complement: FN1 is on the minus strand). VCF-style: chr2-215362036-C-G. GRCh37 (hg19) VCF-style: chr2-216226759-C-G.
Other names: c.7202G>C, p.Ser2401Thr (NM_001306129.2); c.6665G>C, p.Ser2222Thr (NM_001306130.2); c.6659G>C, p.Ser2220Thr (NM_001306131.2); c.6584G>C, p.Ser2195Thr (NM_001306132.2); c.7025G>C, p.Ser2342Thr (NM_001365517.2); c.7022G>C, p.Ser2341Thr (NM_001365518.2); c.6950G>C, p.Ser2317Thr (NM_001365519.2); c.6947G>C, p.Ser2316Thr (NM_001365520.2); and 9 more; short protein forms S2131T, S2195T, S2220T, S2221T, S2222T, S2226T, S2251T, S2285T.
Identifiers: ClinVar variation 1618073 (VCV001618073.33), dbSNP rs147460086, ClinGen allele CA2093586.